The following is an entry in ClinVar:

ClinVar aggregate classification (germline): Uncertain significance (1 of 4 stars; one submission).

Submission:

Labcorp Genetics (formerly Invitae), Labcorp
Classification: Uncertain significance. Last evaluated: 2023-01-06. Review status: criteria provided, single submitter. Criteria: Invitae Variant Classification Sherloc (09022015). Collection method: clinical testing. Allele origin: germline.
Comment: This variant is not present in population databases (gnomAD no frequency). In summary, the available evidence is currently insufficient to determine the role of this variant in disease. Therefore, it has been classified as a Variant of Uncertain Significance. Algorithms developed to predict the effect of missense changes on protein structure and function (SIFT, PolyPhen-2, Align-GVGD) all suggest that this variant is likely to be tolerated. ClinVar contains an entry for this variant (Variation ID: 1721484). This variant has not been reported in the literature in individuals affected with PRDM13-related conditions. This sequence change replaces methionine, which is neutral and non-polar, with leucine, which is neutral and non-polar, at codon 459 of the PRDM13 protein (p.Met459Leu).

NM_021620.4(PRDM13):c.1375A>T (p.Met459Leu)

Gene: PRDM13 (PR/SET domain 13; plus strand). Cytogenetic location: 6q16.2.
Variant type: single nucleotide variant.
Coding change: c.1375A>T on transcript NM_021620.4 (MANE Select); coding-DNA position 1375, A replaced by T.
Protein change: p.Met459Leu; replaces methionine 459 with leucine.
Molecular consequence: missense variant.
Genome position (GRCh38, 1-based): chr6:99,614,010, A>T. VCF-style: chr6-99614010-A-T. GRCh37 (hg19) VCF-style: chr6-100061886-A-T.
Other names: short protein forms M459L.
Identifiers: ClinVar variation 1721484 (VCV001721484.5), dbSNP rs2538546919, ClinGen allele CA365118429.
Genomic context (GRCh38, chr6:99,614,010, plus strand): 5'-CTCGACCCGGGCGGTCTCAAAGCCTATCCGGGTGGTGAGTGCAGCCACCTGCCCGCCGTC[A>T]TGCCGGCCTTTACAGTCTACAACGGGGAGCTGCTCTACGGCTCACCGGCCACCACCGCTT-3'
Protein context (NP_067633.2, residues 449-469): GGECSHLPAV[Met459Leu]PAFTVYNGEL